The following is an entry in ClinVar:

NM_000245.4(MET):c.1650A>G (p.Glu550=)

Gene: MET (MET proto-oncogene, receptor tyrosine kinase; plus strand). Cytogenetic location: 7q31.2.
Variant type: single nucleotide variant.
Coding change: c.1650A>G on transcript NM_000245.4 (MANE Select); coding-DNA position 1650, A replaced by G.
Protein change: p.Glu550=; no amino-acid change (glutamic acid 550 retained).
Molecular consequence: synonymous variant.
Genome position (GRCh38, 1-based): chr7:116,740,974, A>G. VCF-style: chr7-116740974-A-G. GRCh37 (hg19) VCF-style: chr7-116381028-A-G.
Other names: c.1650A>G, p.Glu550= (NM_001127500.3, NM_001324401.3); c.360A>G, p.Glu120= (NM_001324402.2).
Identifiers: ClinVar variation 1143890 (VCV001143890.12), dbSNP rs2116836870, ClinGen allele CA457215623.
Genomic context (GRCh38, chr7:116,740,974, plus strand): 5'-CTCTGCCCCACCCTTTGTTCAGTGTGGCTGGTGCCACGACAAATGTGTGCGATCGGAGGA[A>G]TGCCTGAGCGGGACATGGACTCAACAGATCTGTCTGCCTGCAATCTACAAGGTAGGAATC-3'
Protein context (NP_000236.2, residues 540-560): WCHDKCVRSE[Glu550=]CLSGTWTQQI

ClinVar aggregate classification (germline): Benign/Likely benign. Review status: criteria provided, multiple submitters, no conflicts (2 of 4 stars). 3 submissions from 3 submitters: Benign (1); Likely benign (2). Last evaluated 2025-03-04.

Conditions:
Papillary renal cell carcinoma type 1 (RCCP1). Also called: RENAL CELL CARCINOMA, PAPILLARY, 1, SOMATIC; Renal adenocarcinoma; Renal cell carcinoma 1; Renal cell carcinoma, somatic. Identifiers: Orphanet 47044, MedGen C1336839, OMIM 605074, HP:0011797.
Renal cell carcinoma. Identifiers: Orphanet 217071, MedGen C0007134, MeSH D002292, MONDO:0005086, HP:0005584.

Allele frequency attached by ClinVar (database versions not stated): gnomAD exomes below 0.00001.
gnomAD v4.1: 1 of 1,613,748 alleles (0.000062%); highest among the groups gnomAD compares: South Asian, 0.0011%; no homozygotes.

Submissions (3):

Center for Genomic Medicine, Rigshospitalet, Copenhagen University Hospital
Classification: Likely benign. Last evaluated: 2025-03-04. Review status: criteria provided, single submitter. Criteria: ACMG Guidelines, 2015. Collection method: clinical testing. Allele origin: germline.

Myriad Genetics, Inc.
Classification: Benign for Papillary renal cell carcinoma type 1. Last evaluated: 2024-11-07. Review status: criteria provided, single submitter. Criteria: Myriad Autosomal Dominant, Autosomal Recessive and X-Linked Classification Criteria (2023). Collection method: clinical testing. Allele origin: unknown.
Comment: This variant is considered benign. This variant is a silent/synonymous amino acid change and it is not expected to impact splicing.

Labcorp Genetics (formerly Invitae), Labcorp
Classification: Likely benign for Renal cell carcinoma. Last evaluated: 2020-06-16. Review status: criteria provided, single submitter. Criteria: Invitae Variant Classification Sherloc (09022015). Collection method: clinical testing. Allele origin: germline.